The following is an entry in ClinVar:

NM_005188.4(CBL):c.*8149A>G

Gene: CBL (Cbl proto-oncogene; plus strand). Cytogenetic location: 11q23.3.
Variant type: single nucleotide variant.
Coding change: c.*8149A>G on transcript NM_005188.4 (MANE Select); 8149 bases downstream of the stop codon, A replaced by G.
Molecular consequence: 3 prime UTR variant.
Genome position (GRCh38, 1-based): chr11:119,307,930, A>G. VCF-style: chr11-119307930-A-G. GRCh37 (hg19) VCF-style: chr11-119178640-A-G.
Identifiers: ClinVar variation 302916 (VCV000302916.6), dbSNP rs11243, ClinGen allele CA10633742.
Genomic context (GRCh38, chr11:119,307,930, plus strand): 5'-TAAAAAATTTATATTAGCAGTATTTAATCATTCTCACCTGTAAAGAATAAGAAAAACAGA[A>G]GGTAAATATTCTTACAGAGAATAGCAGAGCTTTAAGATTCATTTTCATTTTAAGTCCATT-3'

ClinVar aggregate classification (germline): Benign. Review status: criteria provided, multiple submitters, no conflicts (2 of 4 stars). 2 submissions from 2 submitters: Benign (2). Last evaluated 2018-01-12.

Conditions:
CBL-related disorder. Also called: NOONAN SYNDROME-LIKE DISORDER WITHOUT JUVENILE MYELOMONOCYTIC LEUKEMIA; CBL MUTATION-ASSOCIATED SYNDROME; CBL SYNDROME. Identifiers: Orphanet 363972, MedGen C3150803, MONDO:0013308, OMIM 613563.

Allele frequency attached by ClinVar (database versions not stated): 1000 Genomes Project 0.01717; 1000 Genomes Project 30x 0.01733; gnomAD 0.02991 and 0.03092; TOPMed 0.03261; gnomAD exomes 0.03811.
gnomAD v4.1: 6,480 of 199,352 alleles (3.3%); highest among the groups gnomAD compares: Middle Eastern, 7.1%; 150 homozygotes.

Submissions (2):

Illumina Laboratory Services, Illumina
Classification: Benign for CBL-related disorder. Last evaluated: 2018-01-12. Review status: criteria provided, single submitter. Criteria: ICSL Variant Classification Criteria 13 December 2019. Collection method: clinical testing. Allele origin: germline.
Comment: This variant was observed in the ICSL laboratory as part of a predisposition screen in an ostensibly healthy population. It had not been previously curated by ICSL or reported in the Human Gene Mutation Database (HGMD: prior to June 1st, 2018), and was therefore a candidate for classification through an automated scoring system. Utilizing variant allele frequency, disease prevalence and penetrance estimates, and inheritance mode, an automated score was calculated to assess if this variant is too frequent to cause the disease. Based on the score and internal cut-off values, a variant classified as benign is not then subjected to further curation. The score for this variant resulted in a classification of benign for this disease.

Breakthrough Genomics
Classification: Benign. Review status: criteria provided, single submitter. Criteria: ACMG Guidelines, 2015. Collection method: not provided. Allele origin: germline. Inheritance: Autosomal dominant inheritance. Affected: yes.